The following is an entry in ClinVar:

ClinVar aggregate classification (germline): Uncertain significance (1 of 4 stars; one submission).

Conditions:
Charcot-Marie-Tooth disease axonal type 2C (HMSN2C). Also called: CHARCOT-MARIE-TOOTH DISEASE, AXONAL, AUTOSOMAL DOMINANT, TYPE 2C; Charcot-Marie-Tooth Neuropathy Type 2C; Charcot-Marie-Tooth Disease Type 2, TRPV4-Related (CMT2C). Identifiers: Orphanet 99937, MedGen C1853710, MONDO:0011633, OMIM 606071.

Allele frequency attached by ClinVar (database versions not stated): gnomAD exomes 0.00001; TOPMed 0.00002.
gnomAD v4.1: 3 of 1,614,190 alleles (0.00019%); highest among the groups gnomAD compares: South Asian, 0.0011%; no homozygotes.

Submission:

Labcorp Genetics (formerly Invitae), Labcorp
Classification: Uncertain significance for Charcot-Marie-Tooth disease axonal type 2C. Last evaluated: 2022-02-03. Review status: criteria provided, single submitter. Criteria: Invitae Variant Classification Sherloc (09022015). Collection method: clinical testing. Allele origin: germline.
Comment: This sequence change replaces glycine, which is neutral and non-polar, with arginine, which is basic and polar, at codon 428 of the TRPV4 protein (p.Gly428Arg). This variant is not present in population databases (gnomAD no frequency). This variant has not been reported in the literature in individuals affected with TRPV4-related conditions. Advanced modeling of protein sequence and biophysical properties (such as structural, functional, and spatial information, amino acid conservation, physicochemical variation, residue mobility, and thermodynamic stability) performed at Invitae indicates that this missense variant is expected to disrupt TRPV4 protein function. Algorithms developed to predict the effect of sequence changes on RNA splicing suggest that this variant may create or strengthen a splice site. In summary, the available evidence is currently insufficient to determine the role of this variant in disease. Therefore, it has been classified as a Variant of Uncertain Significance.

NM_021625.5(TRPV4):c.1282G>A (p.Gly428Arg)

Gene: TRPV4 (transient receptor potential cation channel subfamily V member 4; minus strand). Cytogenetic location: 12q24.11.
Variant type: single nucleotide variant.
Coding change: c.1282G>A on transcript NM_021625.5 (MANE Select); coding-DNA position 1282, G replaced by A.
Protein change: p.Gly428Arg; replaces glycine 428 with arginine.
Molecular consequence: missense variant. On other transcripts: intron variant (2).
Genome position (GRCh38, 1-based): chr12:109,796,575, C>T on the plus strand (G>A on the coding strand, the complement: TRPV4 is on the minus strand). VCF-style: chr12-109796575-C-T. GRCh37 (hg19) VCF-style: chr12-110234380-C-T.
Other names: c.1141G>A, p.Gly381Arg (NM_001177428.2); c.1180G>A, p.Gly394Arg (NM_001177431.2); c.1011+2039G>A (NM_001177433.1); c.1152+2039G>A (NM_147204.2); short protein forms G394R, G428R, G381R.
Identifiers: ClinVar variation 1978036 (VCV001978036.5), dbSNP rs1592835066, ClinGen allele CA386653538.
Genomic context (GRCh38, chr12:109,796,575, plus strand): 5'-TGGAGCCCACCTCAATCTTGCTGTTGTACACCAGGATCTCCAGCACGGAGGCCTCTTCCC[C>T]ACACGTGTCCAGGGAGGAGAGGTCATAAAGCGAGGAATACACTGGCCCATAGGCCCAGTC-3'
Protein context (NP_067638.3, residues 418-438): LYDLSSLDTC[Gly428Arg]EEASVLEILV